The following is an entry in ClinVar:

NM_005419.4(STAT2):c.2127G>A (p.Pro709=)

Gene: STAT2 (signal transducer and activator of transcription 2; minus strand). Cytogenetic location: 12q13.3.
Variant type: single nucleotide variant.
Coding change: c.2127G>A on transcript NM_005419.4 (MANE Select); coding-DNA position 2127, G replaced by A.
Protein change: p.Pro709=; no amino-acid change (proline 709 retained).
Molecular consequence: synonymous variant.
Genome position (GRCh38, 1-based): chr12:56,344,111, C>T on the plus strand (G>A on the coding strand, the complement: STAT2 is on the minus strand). VCF-style: chr12-56344111-C-T. GRCh37 (hg19) VCF-style: chr12-56737895-C-T.
Other names: c.2115G>A, p.Pro705= (NM_198332.2).
Identifiers: ClinVar variation 769390 (VCV000769390.20), dbSNP rs140174092, ClinGen allele CA6630301.

ClinVar aggregate classification (germline): Likely benign. Review status: criteria provided, multiple submitters, no conflicts (2 of 4 stars). 4 submissions from 4 submitters: Likely benign (3). 1 of the submissions does not count toward it. Last evaluated 2025-10-11.

Conditions:
Primary immunodeficiency with post-measles-mumps-rubella vaccine viral infection. Also called: Immunodeficiency 44. Identifiers: Orphanet 431166, MedGen C4225260, MONDO:0014715, OMIM 616636.
STAT2-related disorder. Also called: STAT2-related condition.

Allele frequency attached by ClinVar (database versions not stated): gnomAD exomes 0.00007 and 0.00016; ESP Exome Variant Server 0.00008; gnomAD 0.00008 and 0.00009; TOPMed 0.00011; ExAC 0.00017.
gnomAD v4.1: 104 of 1,562,204 alleles (0.0067%); highest among the groups gnomAD compares: South Asian, 0.063%; no homozygotes.

Submissions (4):

Labcorp Genetics (formerly Invitae), Labcorp
Classification: Likely benign for Primary immunodeficiency with post-measles-mumps-rubella vaccine viral infection. Last evaluated: 2025-10-11. Review status: criteria provided, single submitter. Criteria: Invitae Variant Classification Sherloc (09022015). Collection method: clinical testing. Allele origin: germline.

CeGaT Center for Human Genetics Tuebingen
Classification: Likely benign. Last evaluated: 2025-04-01. Review status: criteria provided, single submitter. Criteria: CeGaT Center For Human Genetics Tuebingen Variant Classification Criteria Version 2. Collection method: clinical testing. Allele origin: germline. Affected: yes. Observed: 1 variant allele.
Comment: STAT2: BP4, BP7

Blueprint Genetics
Classification: Likely benign. Last evaluated: 2024-07-11. Review status: criteria provided, single submitter. Criteria: ACMG Guidelines, 2015. Collection method: clinical testing. Allele origin: germline.

PreventionGenetics, part of Exact Sciences
Classification: Likely benign for STAT2-related condition. Last evaluated: 2019-05-08. Review status: no assertion criteria provided. Collection method: clinical testing. Allele origin: germline. Not counted in ClinVar's aggregate classification.
Comment: This variant is classified as likely benign based on ACMG/AMP sequence variant interpretation guidelines (Richards et al. 2015 PMID: 25741868, with internal and published modifications).